The following is an entry in ClinVar:

ClinVar aggregate classification (germline): Uncertain significance (1 of 4 stars; one submission).

Conditions:
DICER1-related tumor predisposition. Also called: DICER1-related pleuropulmonary blastoma cancer predisposition syndrome; DICER1 syndrome. Identifiers: Orphanet 284343, MedGen C3839822, MONDO:0100216.

Submission:

Labcorp Genetics (formerly Invitae), Labcorp
Classification: Uncertain significance for DICER1-related tumor predisposition. Last evaluated: 2023-04-06. Review status: criteria provided, single submitter. Criteria: Invitae Variant Classification Sherloc (09022015). Collection method: clinical testing. Allele origin: germline.
Comment: In summary, the available evidence is currently insufficient to determine the role of this variant in disease. Therefore, it has been classified as a Variant of Uncertain Significance. Advanced modeling of protein sequence and biophysical properties (such as structural, functional, and spatial information, amino acid conservation, physicochemical variation, residue mobility, and thermodynamic stability) performed at Invitae indicates that this missense variant is expected to disrupt DICER1 protein function. This variant has not been reported in the literature in individuals affected with DICER1-related conditions. This variant is not present in population databases (gnomAD no frequency). This sequence change replaces leucine, which is neutral and non-polar, with valine, which is neutral and non-polar, at codon 1365 of the DICER1 protein (p.Leu1365Val).

NM_177438.3(DICER1):c.4093C>G (p.Leu1365Val)

Gene: DICER1 (dicer 1, ribonuclease III; minus strand). Cytogenetic location: 14q32.13.
Variant type: single nucleotide variant.
Coding change: c.4093C>G on transcript NM_177438.3 (MANE Select); coding-DNA position 4093, C replaced by G.
Protein change: p.Leu1365Val; replaces leucine 1365 with valine.
Molecular consequence: missense variant. On other transcripts: non-coding transcript variant (6).
Genome position (GRCh38, 1-based): chr14:95,099,893, G>C on the plus strand (C>G on the coding strand, the complement: DICER1 is on the minus strand). VCF-style: chr14-95099893-G-C. GRCh37 (hg19) VCF-style: chr14-95566230-G-C.
Other names: c.4093C>G, p.Leu1365Val (NM_001195573.1, NM_001271282.3, NM_001291628.2 and 13 more transcripts); c.3811C>G, p.Leu1271Val (NM_001395686.1); c.3688C>G, p.Leu1230Val (NM_001395687.1, NM_001395688.1, NM_001395689.1 and 2 more transcripts); c.3526C>G, p.Leu1176Val (NM_001395691.1); c.2410C>G, p.Leu804Val (NM_001395697.1); short protein forms L1176V, L1230V, L1271V, L1365V, L804V.
Identifiers: ClinVar variation 2797797 (VCV002797797.3), dbSNP rs1250570322, ClinGen allele CA390872166.